The following is an entry in ClinVar:

ClinVar aggregate classification (germline): Benign. Review status: criteria provided, multiple submitters, no conflicts (2 of 4 stars). 4 submissions from 4 submitters: Benign (3). 1 of the submissions does not count toward it. Last evaluated 2026-02-03.

Conditions:
PKD1L1-related disorder. Also called: PKD1L1-related condition.

Allele frequency attached by ClinVar (database versions not stated): ESP Exome Variant Server 0.13255; TOPMed 0.14839; gnomAD 0.15628 and 0.15904; 1000 Genomes Project 30x 0.16037; 1000 Genomes Project 0.16294; gnomAD exomes 0.17968 and 0.20544; ExAC 0.24278.
gnomAD v4.1: 285,382 of 1,604,416 alleles (18%); highest among the groups gnomAD compares: Admixed American, 24%; 27,288 homozygotes.

Submissions (4):

Labcorp Genetics (formerly Invitae), Labcorp
Classification: Benign. Last evaluated: 2026-02-03. Review status: criteria provided, single submitter. Criteria: Invitae Variant Classification Sherloc (09022015). Collection method: clinical testing. Allele origin: germline.

Blueprint Genetics
Classification: Benign. Last evaluated: 2024-11-27. Review status: criteria provided, single submitter. Criteria: ACMG Guidelines, 2015. Collection method: clinical testing. Allele origin: germline.

GeneDx
Classification: Benign. Last evaluated: 2021-06-09. Review status: criteria provided, single submitter. Criteria: GeneDx Variant Classification Process June 2021. Collection method: clinical testing. Allele origin: germline. Affected: yes.

PreventionGenetics, part of Exact Sciences
Classification: Benign for PKD1L1-related condition. Last evaluated: 2019-03-29. Review status: no assertion criteria provided. Collection method: clinical testing. Allele origin: germline. Not counted in ClinVar's aggregate classification.
Comment: This variant is classified as benign based on ACMG/AMP sequence variant interpretation guidelines (Richards et al. 2015 PMID: 25741868, with internal and published modifications).

NM_138295.5(PKD1L1):c.5764C>T (p.Arg1922Trp)

Gene: PKD1L1 (polycystin 1 like 1, transient receptor potential channel interacting; minus strand). Cytogenetic location: 7p12.3.
Variant type: single nucleotide variant.
Coding change: c.5764C>T on transcript NM_138295.5 (MANE Select); coding-DNA position 5764, C replaced by T.
Protein change: p.Arg1922Trp; replaces arginine 1922 with tryptophan.
Molecular consequence: missense variant.
Genome position (GRCh38, 1-based): chr7:47,839,451, G>A on the plus strand (C>T on the coding strand, the complement: PKD1L1 is on the minus strand). VCF-style: chr7-47839451-G-A. GRCh37 (hg19) VCF-style: chr7-47879049-G-A.
Other names: short protein forms R1922W.
Identifiers: ClinVar variation 1181437 (VCV001181437.10), dbSNP rs76100363, ClinGen allele CA4252756.